The following is an entry in ClinVar:

NC_000023.11:g.101841517C>T

Gene: NXF5 (nuclear RNA export factor 5; minus strand). Cytogenetic location: Xq22.1.
Variant type: single nucleotide variant.
Molecular consequence: non-coding transcript variant (on NR_028089.1).
Genome position: GRCh38 VCF-style: chrX-101841517-C-T. GRCh37 (hg19) VCF-style: chrX-101096489-C-T.
Identifiers: ClinVar variation 4733539 (VCV004733539.1).

ClinVar aggregate classification (germline): Uncertain significance (1 of 4 stars; one submission).

Submission:

Labcorp Genetics (formerly Invitae), Labcorp
Classification: Uncertain significance. Last evaluated: 2025-12-26. Review status: criteria provided, single submitter. Criteria: Invitae Variant Classification Sherloc (09022015). Collection method: clinical testing. Allele origin: germline.
Comment: This sequence change affects codon 94 of the NXF5 mRNA. It is a 'silent' change, meaning that it does not change the encoded amino acid sequence of the NXF5 protein. This variant is not present in population databases (gnomAD no frequency). This variant has not been reported in the literature in individuals affected with NXF5-related conditions. Algorithms developed to predict the effect of sequence changes on RNA splicing suggest that this variant may disrupt the consensus splice site. In summary, the available evidence is currently insufficient to determine the role of this variant in disease. Therefore, it has been classified as a Variant of Uncertain Significance.